The following is an entry in ClinVar:

NC_000009.12:g.(?_127815907)_(127854365_?)del

Gene: ENG (endoglin; minus strand). Cytogenetic location: 9q34.11.
Variant type: Deletion.
Identifiers: ClinVar variation 830930 (VCV000830930.1).

ClinVar aggregate classification (germline): Pathogenic (1 of 4 stars; one submission).

Conditions:
Hereditary hemorrhagic telangiectasia (HHT). Also called: ORW DISEASE; Osler Weber Rendu syndrome; OSLER-RENDU-WEBER DISEASE; Osler hemorrhagic telangiectasia syndrome. Identifiers: Orphanet 774, MedGen C0039445, MONDO:0019180. Disease mechanism: loss of function.

Submission:

Labcorp Genetics (formerly Invitae), Labcorp
Classification: Pathogenic for Hereditary hemorrhagic telangiectasia. Last evaluated: 2019-05-06. Review status: criteria provided, single submitter. Criteria: Invitae Variant Classification Sherloc (09022015). Collection method: clinical testing. Allele origin: germline.
Comment: A gross deletion of the genomic region encompassing the full coding sequence of the ENG gene has been identified. The boundaries of this event are unknown as the deletion extends beyond the assayed region for this gene and therefore may encompass additional genes. A similar whole-gene deletion of ENG has been reported in individuals affected with hereditary hemorrhagic telangiectasia (PMID: 20414677), while larger copy number events that include this gene also have been reported (PMID: 24267784, 22722545, 26395556). Loss-of-function variants in ENG are known to be pathogenic (PMID: 15879500, 20656886, 22385575). For these reasons, this variant has been classified as Pathogenic.

Literature cited by the submitters: PubMed 20414677; PubMed 26395556; PubMed 24267784; PubMed 22722545.